The following is an entry in ClinVar:

ClinVar aggregate classification (germline): Uncertain significance. Review status: criteria provided, multiple submitters, no conflicts (2 of 4 stars). 3 submissions from 3 submitters: Uncertain significance (2). 1 of the submissions does not count toward it. Last evaluated 2024-10-03.

Allele frequency attached by ClinVar (database versions not stated): TOPMed below 0.00001; ExAC 0.00001; gnomAD 0.00001; gnomAD exomes 0.00001.
gnomAD v4.1: 9 of 1,613,998 alleles (0.00056%); highest among the groups gnomAD compares: Non-Finnish European, 0.00051%; no homozygotes.

Submissions (3):

Blueprint Genetics
Classification: Uncertain significance. Last evaluated: 2024-10-03. Review status: criteria provided, single submitter. Criteria: ACMG Guidelines, 2015. Collection method: clinical testing. Allele origin: germline.

Labcorp Genetics (formerly Invitae), Labcorp
Classification: Uncertain significance. Last evaluated: 2022-04-24. Review status: criteria provided, single submitter. Criteria: Invitae Variant Classification Sherloc (09022015). Collection method: clinical testing. Allele origin: germline.
Comment: This sequence change replaces leucine, which is neutral and non-polar, with glutamine, which is neutral and polar, at codon 206 of the DNAJC21 protein (p.Leu206Gln). This variant is present in population databases (rs767882771, gnomAD 0.0009%). This variant has not been reported in the literature in individuals affected with DNAJC21-related conditions. Algorithms developed to predict the effect of missense changes on protein structure and function are either unavailable or do not agree on the potential impact of this missense change (SIFT: "Deleterious"; PolyPhen-2: "Possibly Damaging"; Align-GVGD: "Class C0"). Algorithms developed to predict the effect of sequence changes on RNA splicing suggest that this variant may create or strengthen a splice site. In summary, the available evidence is currently insufficient to determine the role of this variant in disease. Therefore, it has been classified as a Variant of Uncertain Significance.

Genetic Services Laboratory, University of Chicago
Classification: Uncertain significance. Last evaluated: 2022-06-10. Review status: no assertion criteria provided. Collection method: clinical testing. Allele origin: germline. Affected: no. Not counted in ClinVar's aggregate classification.
Comment: DNA sequence analysis of the DNAJC21 gene demonstrated a sequence change, c.617T>A, in exon 5 that results in an amino acid change, p.Leu206Gln. This sequence change does not appear to have been previously described in individuals with DNAJC21-related disorders and has been described in the gnomAD database in two individuals which corresponds to a population frequency of 0.0008% (dbSNP rs767882771). The p.Leu206Gln change affects a moderately conserved amino acid residue located in a domain of the DNAJC21 protein that is not known to be functional. In-silico pathogenicity prediction tools (SIFT, PolyPhen2, Align GVGD, REVEL) provide contradictory results for the p.Leu206Gln substitution. Due to insufficient evidences and the lack of functional studies, the clinical significance of the p.Leu206Gln change remains unknown at this time.

NM_001012339.3(DNAJC21):c.617T>A (p.Leu206Gln)

Gene: DNAJC21 (DnaJ heat shock protein family (Hsp40) member C21; plus strand). Cytogenetic location: 5p13.2.
Variant type: single nucleotide variant.
Coding change: c.617T>A on transcript NM_001012339.3 (MANE Select); coding-DNA position 617, T replaced by A.
Protein change: p.Leu206Gln; replaces leucine 206 with glutamine.
Molecular consequence: missense variant.
Genome position (GRCh38, 1-based): chr5:34,937,504, T>A. VCF-style: chr5-34937504-T-A. GRCh37 (hg19) VCF-style: chr5-34937609-T-A.
Other names: c.617T>A (NM_001012339.2); c.617T>A, p.Leu206Gln (NM_001348420.2, NM_194283.4); short protein forms L206Q.
Identifiers: ClinVar variation 1379773 (VCV001379773.7), dbSNP rs767882771, ClinGen allele CA3228504.